The following is an entry in ClinVar:

NM_015338.6(ASXL1):c.1671C>T (p.Thr557=)

Gene: ASXL1 (ASXL transcriptional regulator 1; plus strand). Cytogenetic location: 20q11.21.
Variant type: single nucleotide variant.
Coding change: c.1671C>T on transcript NM_015338.6 (MANE Select); coding-DNA position 1671, C replaced by T.
Protein change: p.Thr557=; no amino-acid change (threonine 557 retained).
Molecular consequence: synonymous variant.
Genome position (GRCh38, 1-based): chr20:32,433,869, C>T. VCF-style: chr20-32433869-C-T. GRCh37 (hg19) VCF-style: chr20-31021672-C-T.
Other names: c.1488C>T, p.Thr496= (NM_001363734.1); c.1671C>T (NM_015338.5).
Identifiers: ClinVar variation 1159127 (VCV001159127.12), dbSNP rs372630902, ClinGen allele CA9808405.

ClinVar aggregate classification (germline): Likely benign. Review status: criteria provided, multiple submitters, no conflicts (2 of 4 stars). 3 submissions from 3 submitters: Likely benign (2). 1 of the submissions does not count toward it. Last evaluated 2025-12-01.

Conditions:
ASXL1-related disorder. Also called: ASXL1-related condition; ASXL1-related disorders.
Inborn genetic diseases. Identifiers: MedGen C0950123, MeSH D030342.

Allele frequency attached by ClinVar (database versions not stated): ESP Exome Variant Server 0.00008.
gnomAD v4.1: 101 of 1,613,688 alleles (0.0063%); highest among the groups gnomAD compares: Middle Eastern, 0.13%; 1 homozygote.

Submissions (3):

Labcorp Genetics (formerly Invitae), Labcorp
Classification: Likely benign. Last evaluated: 2025-12-01. Review status: criteria provided, single submitter. Criteria: Invitae Variant Classification Sherloc (09022015). Collection method: clinical testing. Allele origin: germline.

Ambry Genetics
Classification: Likely benign for Inborn genetic diseases. Last evaluated: 2024-11-18. Review status: criteria provided, single submitter. Criteria: Ambry Variant Classification Scheme 2023. Collection method: clinical testing. Allele origin: germline.

PreventionGenetics, part of Exact Sciences
Classification: Likely benign for ASXL1-related condition. Last evaluated: 2022-08-03. Review status: no assertion criteria provided. Collection method: clinical testing. Allele origin: germline. Not counted in ClinVar's aggregate classification.
Comment: This variant is classified as likely benign based on ACMG/AMP sequence variant interpretation guidelines (Richards et al. 2015 PMID: 25741868, with internal and published modifications).